The following is an entry in ClinVar:

ClinVar aggregate classification (germline): Conflicting classifications of pathogenicity. Review status: criteria provided, conflicting classifications (1 of 4 stars). 2 submissions from 2 submitters: Likely pathogenic (1); Uncertain significance (1). Last evaluated 2024-09-18.

Conditions:
Developmental and epileptic encephalopathy, 42 (DEE42A). Also called: DEVELOPMENTAL AND EPILEPTIC ENCEPHALOPATHY 42A; EPILEPTIC ENCEPHALOPATHY, EARLY INFANTILE, 42A; Epileptic encephalopathy, early infantile, 42. Identifiers: MedGen C4310716, MONDO:0014917, OMIM 617106.
Episodic ataxia type 2 (EA2). Also called: ATAXIA, EPISODIC, WITH NYSTAGMUS; ATAXIA, FAMILIAL PAROXYSMAL; CEREBELLAR ATAXIA, PAROXYSMAL, ACETAZOLAMIDE-RESPONSIVE; CEREBELLOPATHY, HEREDITARY PAROXYSMAL; EPISODIC ATAXIA, NYSTAGMUS-ASSOCIATED; ACETAZOLAMIDE-RESPONSIVE HEREDITARY PAROXYSMAL CEREBELLAR ATAXIA. Identifiers: Orphanet 97, MedGen C1720416, MONDO:0007163, OMIM 108500.
CACNA1A-related disorder. Also called: CACNA1A-related condition.

Submissions (2):

Blueprint Genetics
Classification: Likely pathogenic for CACNA1A-related disorders. Last evaluated: 2024-09-18. Review status: criteria provided, single submitter. Criteria: ACMG Guidelines, 2015. Collection method: clinical testing. Allele origin: de novo. Affected: yes. Observed: 1 variant allele.

Labcorp Genetics (formerly Invitae), Labcorp
Classification: Uncertain significance for Developmental and epileptic encephalopathy, 42; Episodic ataxia type 2. Last evaluated: 2023-07-26. Review status: criteria provided, single submitter. Criteria: Invitae Variant Classification Sherloc (09022015). Collection method: clinical testing. Allele origin: germline.
Comment: This variant has not been reported in the literature in individuals affected with CACNA1A-related conditions. In summary, the available evidence is currently insufficient to determine the role of this variant in disease. Therefore, it has been classified as a Variant of Uncertain Significance. Advanced modeling of protein sequence and biophysical properties (such as structural, functional, and spatial information, amino acid conservation, physicochemical variation, residue mobility, and thermodynamic stability) performed at Invitae indicates that this missense variant is expected to disrupt CACNA1A protein function. This variant is not present in population databases (gnomAD no frequency). This sequence change replaces valine, which is neutral and non-polar, with alanine, which is neutral and non-polar, at codon 199 of the CACNA1A protein (p.Val199Ala).

NM_001127222.2(CACNA1A):c.596T>C (p.Val199Ala)

Gene: CACNA1A (calcium voltage-gated channel subunit alpha1 A; minus strand). Cytogenetic location: 19p13.13.
Variant type: single nucleotide variant.
Coding change: c.596T>C on transcript NM_001127222.2 (MANE Select); coding-DNA position 596, T replaced by C.
Protein change: p.Val199Ala; replaces valine 199 with alanine.
Molecular consequence: missense variant.
Genome position (GRCh38, 1-based): chr19:13,371,723, A>G on the plus strand (T>C on the coding strand, the complement: CACNA1A is on the minus strand). VCF-style: chr19-13371723-A-G. GRCh37 (hg19) VCF-style: chr19-13482537-A-G.
Other names: c.596T>C, p.Val199Ala (NM_000068.4, NM_001127221.2, NM_001174080.2 and 1 more transcripts); short protein forms V199A.
Identifiers: ClinVar variation 2949372 (VCV002949372.4), dbSNP rs2513200525, ClinGen allele CA404350876.